The following is an entry in ClinVar:

ClinVar aggregate classification (germline): Uncertain significance (1 of 4 stars; one submission).

Submission:

Greenwood Genetic Center Diagnostic Laboratories, Greenwood Genetic Center
Classification: Uncertain significance. Last evaluated: 2024-03-01. Review status: criteria provided, single submitter. Criteria: ACMG Guidelines, 2015. Collection method: clinical testing. Allele origin: germline. Affected: yes.
Comment: PM2

NM_052867.4(NALCN):c.2118A>C (p.Lys706Asn)

Gene: NALCN (sodium leak channel, non-selective; minus strand). Cytogenetic location: 13q33.1.
Variant type: single nucleotide variant.
Coding change: c.2118A>C on transcript NM_052867.4 (MANE Select); coding-DNA position 2118, A replaced by C.
Protein change: p.Lys706Asn; replaces lysine 706 with asparagine.
Molecular consequence: missense variant.
Genome position (GRCh38, 1-based): chr13:101,143,080, T>G on the plus strand (A>C on the coding strand, the complement: NALCN is on the minus strand). VCF-style: chr13-101143080-T-G. GRCh37 (hg19) VCF-style: chr13-101795431-T-G.
Other names: c.2118A>C, p.Lys706Asn (NM_001350748.2, NM_001350749.2); c.2031A>C, p.Lys677Asn (NM_001350750.2, NM_001350751.2); short protein forms K677N, K706N.
Identifiers: ClinVar variation 3235771 (VCV003235771.1), dbSNP rs2502450488, ClinGen allele CA388671298.